The following is an entry in ClinVar:

NM_001367721.1(CASK):c.1315-1G>A

Gene: CASK (calcium/calmodulin dependent serine protein kinase; minus strand). Cytogenetic location: Xp11.4.
Variant type: single nucleotide variant.
Coding change: c.1315-1G>A on transcript NM_001367721.1 (MANE Select); the canonical splice acceptor site of the intron before coding-DNA position 1315, G replaced by A.
Molecular consequence: splice acceptor variant.
Genome position (GRCh38, 1-based): chrX:41,578,529, C>T on the plus strand (G>A on the coding strand, the complement: CASK is on the minus strand). VCF-style: chrX-41578529-C-T. GRCh37 (hg19) VCF-style: chrX-41437782-C-T.
Other names: c.1297-1G>A (NM_001126055.3, NM_001410745.1); c.1315-1G>A (NM_001126054.3, NM_003688.4).
Identifiers: ClinVar variation 2763139 (VCV002763139.4), dbSNP rs2519819468, ClinGen allele CA412998335.
Genomic context (GRCh38, chrX:41,578,529, plus strand): 5'-CCTCAATGCTTCATCACTGTAAACTTCATGTGCCACTACGTCGTGAGTCTGAAGTAAGGC[C>T]TAGTGTTTTATGAAGAAAAAAATTATTAATAACATTACTATTTCAGCAGAAATTTATTTT-3'

ClinVar aggregate classification (germline): Pathogenic/Likely pathogenic. Review status: criteria provided, multiple submitters, no conflicts (2 of 4 stars). 2 submissions from 2 submitters: Pathogenic (1); Likely pathogenic (1). Last evaluated 2024-08-15.

Conditions:
Syndromic X-linked intellectual disability Najm type (MICPCH). Also called: Intellectual Disability and Microcephaly with Pontine and Cerebellar Hypoplasia (MICPCH); MICPCH SYNDROME; Intellectual developmental disorder and microcephaly with pontine and cerebellar hypoplasia; Mental retardation and microcephaly with pontine and cerebellar hypoplasia; MENTAL RETARDATION, X-LINKED, SYNDROMIC, NAJM TYPE; Intellectual Disability and Microcephaly with Pontine and Cerebellar Hypoplasia. Identifiers: Orphanet 163937, MedGen C2677903, MONDO:0010417, OMIM 300749.
Intellectual disability, CASK-related, X-linked. Identifiers: MedGen CN043158.

Submissions (2):

Labcorp Genetics (formerly Invitae), Labcorp
Classification: Pathogenic for Intellectual disability, CASK-related, X-linked. Last evaluated: 2024-08-15. Review status: criteria provided, single submitter. Criteria: Invitae Variant Classification Sherloc (09022015). Collection method: clinical testing. Allele origin: germline.
Comment: This sequence change affects an acceptor splice site in intron 14 of the CASK gene. It is expected to disrupt RNA splicing. Variants that disrupt the donor or acceptor splice site typically lead to a loss of protein function (PMID: 16199547), and loss-of-function variants in CASK are known to be pathogenic (PMID: 19165920, 20029458, 21954287, 22452838, 22709267). This variant is not present in population databases (gnomAD no frequency). Disruption of this splice site has been observed in individual(s) with clinical features of CASK-related conditions (Invitae). In at least one individual the variant was observed to be de novo. Algorithms developed to predict the effect of sequence changes on RNA splicing suggest that this variant may disrupt the consensus splice site. For these reasons, this variant has been classified as Pathogenic.

3billion
Classification: Likely pathogenic for Syndromic X-linked intellectual disability Najm type. Last evaluated: 2023-06-15. Review status: criteria provided, single submitter. Criteria: ACMG Guidelines, 2015. Collection method: clinical testing. Allele origin: germline. Affected: yes.
Comment: The variant is not observed in the gnomAD v2.1.1 dataset. Predicted Consequence/Location: Canonical splice site: predicted to alter splicing and result in a loss or disruption of normal protein function. Multiple pathogenic loss-of-function variants are reported downstream of the variant. Therefore, this variant is classified as Likely pathogenic according to the recommendation of ACMG/AMP guideline.

Literature cited by the submitters: PubMed 16199547 (cited by Labcorp Genetics (formerly Invitae), Labcorp); PubMed 19165920 (cited by Labcorp Genetics (formerly Invitae), Labcorp); PubMed 20029458 (cited by Labcorp Genetics (formerly Invitae), Labcorp); PubMed 21954287 (cited by Labcorp Genetics (formerly Invitae), Labcorp); PubMed 22452838 (cited by Labcorp Genetics (formerly Invitae), Labcorp); PubMed 22709267 (cited by Labcorp Genetics (formerly Invitae), Labcorp).